The following is an entry in ClinVar:

NM_000346.4(SOX9):c.844G>A (p.Val282Ile)

Gene: SOX9 (SRY-box transcription factor 9; plus strand). Cytogenetic location: 17q24.3.
Variant type: single nucleotide variant.
Coding change: c.844G>A on transcript NM_000346.4 (MANE Select); coding-DNA position 844, G replaced by A.
Protein change: p.Val282Ile; replaces valine 282 with isoleucine.
Molecular consequence: missense variant.
Genome position (GRCh38, 1-based): chr17:72,123,701, G>A. VCF-style: chr17-72123701-G-A. GRCh37 (hg19) VCF-style: chr17-70119842-G-A.
Other names: short protein forms V282I.
Identifiers: ClinVar variation 1417834 (VCV001417834.6), dbSNP rs2143251516, ClinGen allele CA400867164.
Genomic context (GRCh38, chr17:72,123,701, plus strand): 5'-GGGGGCAGACAGCCCCCTATCGACTTCCGCGACGTGGACATCGGCGAGCTGAGCAGCGAC[G>A]TCATCTCCAACATCGAGACCTTCGATGTCAACGAGTTTGACCAGTACCTGCCGCCCAACG-3'
Protein context (NP_000337.1, residues 272-292): DVDIGELSSD[Val282Ile]ISNIETFDVN

ClinVar aggregate classification (germline): Uncertain significance (1 of 4 stars; one submission).

Conditions:
Camptomelic dysplasia (CMPD). Also called: Campomelic Dysplasia; CMPD1/SRA1. Identifiers: Orphanet 140, MedGen C1861922, MONDO:0007251, OMIM 114290.

Submission:

Labcorp Genetics (formerly Invitae), Labcorp
Classification: Uncertain significance for Camptomelic dysplasia. Last evaluated: 2021-12-08. Review status: criteria provided, single submitter. Criteria: Invitae Variant Classification Sherloc (09022015). Collection method: clinical testing. Allele origin: germline.
Comment: This sequence change replaces valine, which is neutral and non-polar, with isoleucine, which is neutral and non-polar, at codon 282 of the SOX9 protein (p.Val282Ile). This variant is not present in population databases (gnomAD no frequency). This variant has not been reported in the literature in individuals affected with SOX9-related conditions. Advanced modeling of protein sequence and biophysical properties (such as structural, functional, and spatial information, amino acid conservation, physicochemical variation, residue mobility, and thermodynamic stability) performed at Invitae indicates that this missense variant is expected to disrupt SOX9 protein function. In summary, the available evidence is currently insufficient to determine the role of this variant in disease. Therefore, it has been classified as a Variant of Uncertain Significance.